The following is an entry in ClinVar:

ClinVar aggregate classification (germline): Pathogenic (1 of 4 stars; one submission).

Conditions:
Primary ciliary dyskinesia. Also called: Ciliary dyskinesia. Identifiers: Orphanet 244, MedGen C0008780, MONDO:0016575, HP:0012265.

Submission:

Labcorp Genetics (formerly Invitae), Labcorp
Classification: Pathogenic for Primary ciliary dyskinesia. Last evaluated: 2023-10-19. Review status: criteria provided, single submitter. Criteria: Invitae Variant Classification Sherloc (09022015). Collection method: clinical testing. Allele origin: germline.
Comment: This sequence change inserts a large fragment of DNA, likely a transposable element, in exon 60 of the DNAH5 gene (c.10254_10255ins?), causing a frameshift at codon 3419 (p.Ser3419fs). The exact size and sequence of the insertion cannot be determined by the current assay. However, the insertion is expected to result in an absent or disrupted protein product. This variant is not present in population databases (gnomAD no frequency). This variant has not been reported in the literature in individuals affected with DNAH5-related conditions. Retrotransposon insertions including LINE1 (L1), Alu, and SVA (SINE-VNTR-Alu) have been reported to be disease-causing through disruption of either a coding region or splice site (PMID: 19763152, 20307669, 22406018) and loss-of-function variants in DNAH5 are known to be pathogenic (PMID: 11788826, 16627867). For these reasons, this variant has been classified as Pathogenic.

Literature cited by the submitters: PubMed 19763152; PubMed 20307669; PubMed 22406018; PubMed 11788826; PubMed 16627867.

NM_001369.3(DNAH5):c.10254_10255insTTTTTTTTTTTTTTTTTTTTNNNNNNNNNNACTCATAGGTGGGAATTGAACAATGAGATCACATGGACACAGGAAGGGGAATATCACACTCTGGGGACTGTGGCTTCCTTCTTTTCT (p.Ser3418_Ile3419insPhePhePhePhePhePheXaaXaaXaaXaaThrHisArgTrpGluLeuAsnAsnGluIleThrTrpThrGlnGluGlyGluTyrHisThrLeuGlyThrValAlaSerPhePheSer)

Gene: DNAH5 (dynein axonemal heavy chain 5; minus strand). Cytogenetic location: 5p15.2.
Variant type: Insertion.
Coding change: c.10254_10255insTTTTTTTTTTTTTTTTTTTTNNNNNNNNNNACTCATAGGTGGGAATTGAACAATGAGATCACATGGACACAGGAAGGGGAATATCACACTCTGGGGACTGTGGCTTCCTTCTTTTCT on transcript NM_001369.3 (MANE Select); coding-DNA positions 10254 to 10255, TTTTTTTTTTTTTTTTTTTTNNNNNNNNNNACTCATAGGTGGGAATTGAACAATGAGATCACATGGACACAGGAAGGGGAATATCACACTCTGGGGACTGTGGCTTCCTTCTTTTCT inserted.
Protein change: p.Ser3418_Ile3419insPhePhePhePhePhePheXaaXaaXaaXaaThrHisArgTrpGluLeuAsnAsnGluIleThrTrpThrGlnGluGlyGluTyrHisThrLeuGlyThrValAlaSerPhePheSer.
Molecular consequence: inframe insertion.
Genome position: GRCh38: chr5:13,762,765-13,762,766. GRCh37 (hg19): chr5:13,762,874-13,762,875.
Identifiers: ClinVar variation 2770168 (VCV002770168.3), dbSNP rs2546640421.